The following is an entry in ClinVar:

ClinVar aggregate classification (germline): Uncertain significance (0 of 4 stars; one submission).

Conditions:
PCNT-related disorder. Also called: PCNT-related condition.

Submission:

PreventionGenetics, part of Exact Sciences
Classification: Uncertain significance for PCNT-related condition. Last evaluated: 2024-07-02. Review status: no assertion criteria provided. Collection method: clinical testing. Allele origin: germline.
Comment: The PCNT c.9883G>A variant is predicted to result in the amino acid substitution p.Ala3295Thr. To our knowledge, this variant has not been reported in the literature or in a large population database, indicating this variant is rare. At this time, the clinical significance of this variant is uncertain due to the absence of conclusive functional and genetic evidence.

NM_006031.6(PCNT):c.9883G>A (p.Ala3295Thr)

Gene: PCNT (pericentrin; plus strand). Cytogenetic location: 21q22.3.
Variant type: single nucleotide variant.
Coding change: c.9883G>A on transcript NM_006031.6 (MANE Select); coding-DNA position 9883, G replaced by A.
Protein change: p.Ala3295Thr; replaces alanine 3295 with threonine.
Molecular consequence: missense variant.
Genome position (GRCh38, 1-based): chr21:46,444,737, G>A. VCF-style: chr21-46444737-G-A. GRCh37 (hg19) VCF-style: chr21-47864650-G-A.
Other names: c.9292G>A, p.Ala3098Thr (NM_001315529.2); short protein forms A3098T, A3295T.
Identifiers: ClinVar variation 3344100 (VCV003344100.1).
Genomic context (GRCh38, chr21:46,444,737, plus strand): 5'-TGGTAATTTGTTTGAAGAGCCACTCCATCCCCAAATTCAAGATTAGAAAGATCCCTGACT[G>A]CTTCTCAAGATCCAGAACATTCCTTGACAGAGTATATTCACCATTTAGAAGTGATCCAGC-3'
Protein context (NP_006022.3, residues 3285-3305): PNSRLERSLT[Ala3295Thr]SQDPEHSLTE